The following is an entry in ClinVar:

NM_004006.3(DMD):c.5941dup (p.Thr1981fs)

Gene: DMD (dystrophin; minus strand). Cytogenetic location: Xp21.1.
Variant type: Duplication.
Coding change: c.5941dup on transcript NM_004006.3 (MANE Select); coding-DNA position 5941, one base duplicated (A; older notation c.5941dupA).
Protein change: p.Thr1981fs; shifts the reading frame from threonine 1981.
Molecular consequence: frameshift variant.
Genome position (GRCh38, 1-based): chrX:32,310,258, T duplicated on the plus strand (A on the coding strand, the reverse complement: DMD is on the minus strand); the first of 3 consecutive T bases (chrX:32,310,258-32,310,260); duplicating any one gives the same sequence. VCF-style (leftmost placement, unchanged base first): chrX-32310257-G-GT. GRCh37 (hg19) VCF-style: chrX-32328374-G-GT.
Other names: c.5941dup (NM_004006.2); c.5917dup, p.Thr1973fs (NM_000109.4); c.5929dup, p.Thr1977fs (NM_004009.3); c.5572dup, p.Thr1858fs (NM_004010.3); c.1918dup, p.Thr640fs (NM_004011.4); c.1909dup, p.Thr637fs (NM_004012.4); short protein forms T1858fs, T1973fs, T1977fs, T1981fs, T637fs, T640fs.
Identifiers: ClinVar variation 2428750 (VCV002428750.5), dbSNP rs2520270976, ClinGen allele CA2580100638.

ClinVar aggregate classification (germline): Pathogenic/Likely pathogenic. Review status: criteria provided, multiple submitters, no conflicts (2 of 4 stars). 2 submissions from 2 submitters: Pathogenic (1); Likely pathogenic (1). Last evaluated 2022-05-20.

Submissions (2):

Revvity Omics, Revvity
Classification: Likely pathogenic. Last evaluated: 2022-05-20. Review status: criteria provided, single submitter. Criteria: ACMG Guidelines, 2015. Collection method: clinical testing. Allele origin: germline.

ARUP Laboratories, Molecular Genetics and Genomics, ARUP Laboratories
Classification: Pathogenic. Last evaluated: 2022-04-08. Review status: criteria provided, single submitter. Criteria: ARUP Molecular Germline Variant Investigation Process 2021. Collection method: clinical testing. Allele origin: germline.
Comment: The DMD c.5941dupA; p.Thr1981AsnfsTer7 variant, to our knowledge, is not reported in the medical literature or gene specific databases. This variant is also absent from the Genome Aggregation Database, indicating it is not a common polymorphism. This variant causes a frameshift by duplicating a single nucleotide, so it is predicted to result in a truncated protein or mRNA subject to nonsense-mediated decay. Additionally, several downstream truncating variants have been described in individuals with Duchenne muscular dystrophy and are considered pathogenic (Li 2015, Ma 2018, Wang 2017). Based on available information, this variant is considered to be pathogenic. References: Li X et al. A comprehensive database of Duchenne and Becker muscular dystrophy patients (0-18 years old) in East China. Orphanet J Rare Dis. 2015 Jan 23;10:5. PMID: 25612904. Ma P et al. Comprehensive genetic characteristics of dystrophinopathies in China. Orphanet J Rare Dis. 2018 Jul 4;13(1):109. PMID: 29973226. Wang DN et al. Clinical and mutational characteristics of Duchenne muscular dystrophy patients based on a comprehensive database in South China. Neuromuscul Disord. 2017 Aug;27(8):715-722. PMID: 28318817.